The following is an entry in ClinVar:

ClinVar aggregate classification (germline): Uncertain significance (1 of 4 stars; one submission).

Conditions:
Familial cold autoinflammatory syndrome 3 (FCAS3). Also called: FAMILIAL ATYPICAL COLD URTICARIA; ANTIBODY DEFICIENCY AND IMMUNE DYSREGULATION, PLCG2-ASSOCIATED. Identifiers: Orphanet 300359, MedGen C3280914, MONDO:0013766, OMIM 614468.

Submission:

Labcorp Genetics (formerly Invitae), Labcorp
Classification: Uncertain significance for Familial cold autoinflammatory syndrome 3. Last evaluated: 2025-06-29. Review status: criteria provided, single submitter. Criteria: Invitae Variant Classification Sherloc (09022015). Collection method: clinical testing. Allele origin: germline.
Comment: This sequence change replaces tyrosine, which is neutral and polar, with histidine, which is basic and polar, at codon 1245 of the PLCG2 protein (p.Tyr1245His). This variant is not present in population databases (gnomAD no frequency). This variant has not been reported in the literature in individuals affected with PLCG2-related conditions. An algorithm developed to predict the effect of missense changes on protein structure and function (PolyPhen-2) suggests that this variant is likely to be tolerated. In summary, the available evidence is currently insufficient to determine the role of this variant in disease. Therefore, it has been classified as a Variant of Uncertain Significance.

NM_002661.5(PLCG2):c.3733T>C (p.Tyr1245His)

Gene: PLCG2 (phospholipase C gamma 2; plus strand). Cytogenetic location: 16q23.3.
Variant type: single nucleotide variant.
Coding change: c.3733T>C on transcript NM_002661.5 (MANE Select); coding-DNA position 3733, T replaced by C.
Protein change: p.Tyr1245His; replaces tyrosine 1245 with histidine.
Molecular consequence: missense variant.
Genome position (GRCh38, 1-based): chr16:81,956,857, T>C. VCF-style: chr16-81956857-T-C. GRCh37 (hg19) VCF-style: chr16-81990462-T-C.
Other names: c.3733T>C, p.Tyr1245His (NM_001425749.1, NM_001425750.1, NM_001425751.1); short protein forms Y1245H.
Identifiers: ClinVar variation 4780943 (VCV004780943.1).